The following is an entry in ClinVar:

ClinVar aggregate classification (germline): Uncertain significance (1 of 4 stars; one submission).

Conditions:
Joubert syndrome 23 (JBTS23). Identifiers: Orphanet 475, MedGen C4084822, MONDO:0014664, OMIM 616490.
Short-rib thoracic dysplasia 14 with polydactyly (SRTD14). Identifiers: Orphanet 397715, MedGen C4225286, MONDO:0014688, OMIM 616546.

Submission:

Labcorp Genetics (formerly Invitae), Labcorp
Classification: Uncertain significance for Joubert syndrome 23; Short-rib thoracic dysplasia 14 with polydactyly. Last evaluated: 2024-10-07. Review status: criteria provided, single submitter. Criteria: Invitae Variant Classification Sherloc (09022015). Collection method: clinical testing. Allele origin: germline.
Comment: This sequence change replaces leucine, which is neutral and non-polar, with proline, which is neutral and non-polar, at codon 1568 of the KIAA0586 protein (p.Leu1568Pro). This variant is present in population databases (no rsID available, gnomAD 0.008%). This variant has not been reported in the literature in individuals affected with KIAA0586-related conditions. ClinVar contains an entry for this variant (Variation ID: 1424211). An algorithm developed to predict the effect of missense changes on protein structure and function (PolyPhen-2) suggests that this variant¬¨‚Ä†is likely to be tolerated. In summary, the available evidence is currently insufficient to determine the role of this variant in disease. Therefore, it has been classified as a Variant of Uncertain Significance.

NM_001329943.3(KIAA0586):c.4495+3795_4495+3796inv

Gene: KIAA0586 (KIAA0586; plus strand). Cytogenetic location: 14q23.1.
Variant type: Inversion.
Coding change: c.4495+3795_4495+3796inv on transcript NM_001329943.3 (MANE Select).
Molecular consequence: intron variant. On other transcripts: missense variant (2).
Genome position: GRCh38 VCF-style: chr14-58543931-TG-CA. GRCh37 (hg19) VCF-style: chr14-59010649-TG-CA.
Other names: c.4703_4704inv, p.Leu1568Pro (NM_001244189.2); c.4544_4545inv, p.Leu1515Pro (NM_001329944.2); c.4450+3795_4450+3796inv (NM_001244190.2); c.4363+3795_4363+3796inv (NM_001244192.2, NM_001329947.2); c.4240+3795_4240+3796inv (NM_001244191.2, NM_001364701.2); c.4430-3850_4430-3849inv (NM_001329946.2); c.4267+3795_4267+3796inv (NM_014749.5); c.4175-3850_4175-3849inv (NM_001329945.2); short protein forms L1515P, L1568P.
Identifiers: ClinVar variation 1424211 (VCV001424211.4), ClinGen allele CA2573149987.